The following is an entry in ClinVar:

ClinVar aggregate classification (germline): Uncertain significance (1 of 4 stars; one submission).

Conditions:
Inborn genetic diseases. Identifiers: MedGen C0950123, MeSH D030342.

gnomAD v4.1: 3 of 1,613,784 alleles (0.00019%); highest among the groups gnomAD compares: African/African-American, 0.004%; no homozygotes.

Submission:

Ambry Genetics
Classification: Uncertain significance for Inborn genetic diseases. Last evaluated: 2022-05-04. Review status: criteria provided, single submitter. Criteria: Ambry Variant Classification Scheme 2023. Collection method: clinical testing. Allele origin: germline.
Comment: The p.T1024R variant (also known as c.3071C>G), located in coding exon 23 of the LRRK2 gene, results from a C to G substitution at nucleotide position 3071. The threonine at codon 1024 is replaced by arginine, an amino acid with similar properties. This amino acid position is conserved. In addition, this alteration is predicted to be tolerated by in silico analysis. Since supporting evidence is limited at this time, the clinical significance of this alteration remains unclear.

NM_198578.4(LRRK2):c.3071C>G (p.Thr1024Arg)

Gene: LRRK2 (leucine rich repeat kinase 2; plus strand). Cytogenetic location: 12q12.
Variant type: single nucleotide variant.
Coding change: c.3071C>G on transcript NM_198578.4 (MANE Select); coding-DNA position 3071, C replaced by G.
Protein change: p.Thr1024Arg; replaces threonine 1024 with arginine.
Molecular consequence: missense variant.
Genome position (GRCh38, 1-based): chr12:40,295,619, C>G. VCF-style: chr12-40295619-C-G. GRCh37 (hg19) VCF-style: chr12-40689421-C-G.
Other names: short protein forms T1024R.
Identifiers: ClinVar variation 1799503 (VCV001799503.2), dbSNP rs568157731, ClinGen allele CA235347073.
Genomic context (GRCh38, chr12:40,295,619, plus strand): 5'-GCTGTATAAGTGTTCATTTGGAGCATCTTGAAAAGCTGGAGCTTCACCAGAATGCACTCA[C>G]GAGCTTTCCACAACAGCTATGTGAAGTAAATTTAATTTATCCTTGTAACTTTCAAGACAT-3'
Protein context (NP_940980.4, residues 1014-1034): EKLELHQNAL[Thr1024Arg]SFPQQLCETL